The following is an entry in ClinVar:

NM_002894.3(RBBP8):c.1072del (p.His358fs)

Gene: RBBP8 (RB binding protein 8, endonuclease; plus strand). Cytogenetic location: 18q11.2.
Variant type: Deletion.
Coding change: c.1072del on transcript NM_002894.3 (MANE Select); coding-DNA position 1072, one base deleted (C; older notation c.1072delC).
Protein change: p.His358fs; shifts the reading frame from histidine 358.
Molecular consequence: frameshift variant.
Genome position (GRCh38, 1-based): chr18:22,992,899, C deleted. VCF-style (leftmost placement, unchanged base first): chr18-22992898-AC-A. GRCh37 (hg19) VCF-style: chr18-20572861-AC-A.
Other names: c.1072delC (NM_002894.2); c.1072del, p.His358fs (NM_203291.2, NM_203292.2); short protein forms H358fs.
Identifiers: ClinVar variation 1324996 (VCV001324996.6), dbSNP rs754390284, ClinGen allele CA8910014.

ClinVar aggregate classification (germline): Pathogenic/Likely pathogenic. Review status: criteria provided, multiple submitters, no conflicts (2 of 4 stars). 2 submissions from 2 submitters: Pathogenic (1); Likely pathogenic (1). Last evaluated 2021-11-22.

Conditions:
Inborn genetic diseases. Identifiers: MedGen C0950123, MeSH D030342.

Allele frequency attached by ClinVar (database versions not stated): ExAC 0.00002; gnomAD 0.00002; gnomAD exomes 0.00002 and 0.00011; TOPMed 0.00002.

Submissions (2):

Ambry Genetics
Classification: Pathogenic for Inborn genetic diseases. Last evaluated: 2021-11-22. Review status: criteria provided, single submitter. Criteria: Ambry Variant Classification Scheme 2023. Collection method: clinical testing. Allele origin: germline.
Comment: The c.1072delC (p.H358Ifs*2) alteration, located in exon 11 (coding exon 10) of the RBBP8 gene, consists of a deletion of one nucleotide at position 1072, causing a translational frameshift with a predicted alternate stop codon after 2 amino acids. This alteration is expected to result in loss of function by premature protein truncation or nonsense-mediated mRNA decay. Based on data from gnomAD, the c.1072delC allele has an overall frequency of <0.01% (4/251142) total alleles studied. The highest observed frequency was 0.01% (1/10078) of Ashkenazi Jewish alleles. Based on the available evidence, this alteration is classified as pathogenic.

Revvity Omics, Revvity
Classification: Likely pathogenic. Last evaluated: 2019-08-01. Review status: criteria provided, single submitter. Criteria: ACMG Guidelines, 2015. Collection method: clinical testing. Allele origin: germline.